The following is an entry in ClinVar:

ClinVar aggregate classification (germline): Likely benign (1 of 4 stars; one submission).

Conditions:
MC3R-related disorder. Also called: MC3R-related condition.

gnomAD v4.1: 5 of 1,614,138 alleles (0.00031%); highest among the groups gnomAD compares: Middle Eastern, 0.016%; no homozygotes.

Submission:

PreventionGenetics, part of Exact Sciences
Classification: Likely benign for MC3R-related condition. Last evaluated: 2025-06-09. Review status: criteria provided, single submitter. Criteria: ACMG Guidelines, 2015. Collection method: clinical testing. Allele origin: germline.
Comment: This variant is classified as likely benign based on ACMG/AMP sequence variant interpretation guidelines (Richards et al. 2015 PMID: 25741868, with internal and published modifications).

NM_019888.3(MC3R):c.294C>A (p.Ile98=)

Gene: MC3R (melanocortin 3 receptor; plus strand). Cytogenetic location: 20q13.2.
Variant type: single nucleotide variant.
Coding change: c.294C>A on transcript NM_019888.3 (MANE Select); coding-DNA position 294, C replaced by A.
Protein change: p.Ile98=; no amino-acid change (isoleucine 98 retained).
Molecular consequence: synonymous variant.
Genome position (GRCh38, 1-based): chr20:56,249,137, C>A. VCF-style: chr20-56249137-C-A. GRCh37 (hg19) VCF-style: chr20-54824193-C-A.
Identifiers: ClinVar variation 4988671 (VCV004988671.1).